The following is an entry in ClinVar:

ClinVar aggregate classification (germline): Uncertain significance. Review status: criteria provided, multiple submitters, no conflicts (2 of 4 stars). 3 submissions from 3 submitters: Uncertain significance (2). 1 of the submissions does not count toward it. Last evaluated 2025-06-12.

Conditions:
MRAP2-related disorder. Also called: MRAP2-related condition.

Allele frequency attached by ClinVar (database versions not stated): gnomAD exomes 0.00001 and 0.00006; gnomAD 0.00003; ExAC 0.00005; TOPMed 0.00009.
gnomAD v4.1: 24 of 1,593,672 alleles (0.0015%); highest among the groups gnomAD compares: Admixed American, 0.029%; no homozygotes.

Submissions (3):

Labcorp Genetics (formerly Invitae), Labcorp
Classification: Uncertain significance. Last evaluated: 2025-06-12. Review status: criteria provided, single submitter. Criteria: Invitae Variant Classification Sherloc (09022015). Collection method: clinical testing. Allele origin: germline.
Comment: This sequence change falls in intron 3 of the MRAP2 gene. It does not directly change the encoded amino acid sequence of the MRAP2 protein. It affects a nucleotide within the consensus splice site. This variant is present in population databases (rs756421129, gnomAD 0.03%). This variant has not been reported in the literature in individuals affected with MRAP2-related conditions. ClinVar contains an entry for this variant (Variation ID: 1479292). Variants that disrupt the consensus splice site are a relatively common cause of aberrant splicing (PMID: 17576681, 9536098). Algorithms developed to predict the effect of sequence changes on RNA splicing suggest that this variant may disrupt the consensus splice site. In summary, the available evidence is currently insufficient to determine the role of this variant in disease. Therefore, it has been classified as a Variant of Uncertain Significance.

Revvity Omics, Revvity
Classification: Uncertain significance. Last evaluated: 2019-07-25. Review status: criteria provided, single submitter. Criteria: ACMG Guidelines, 2015. Collection method: clinical testing. Allele origin: germline.

PreventionGenetics, part of Exact Sciences
Classification: Uncertain significance for MRAP2-related condition. Last evaluated: 2024-08-12. Review status: no assertion criteria provided. Collection method: clinical testing. Allele origin: germline. Not counted in ClinVar's aggregate classification.
Comment: The MRAP2 c.228-2A>G variant is predicted to disrupt the AG splice acceptor site and interfere with normal splicing. To our knowledge, this variant has not been reported in the literature. This variant is reported in 0.037% of alleles in individuals of Latino descent in gnomAD. Loss of function is not an established mechanism of MRAP2-related disease. At this time, the clinical significance of this variant is uncertain due to the absence of conclusive functional and genetic evidence.

Literature cited by the submitters: PubMed 17576681 (cited by Labcorp Genetics (formerly Invitae), Labcorp); PubMed 9536098 (cited by Labcorp Genetics (formerly Invitae), Labcorp).

NM_138409.4(MRAP2):c.228-2A>G

Gene: MRAP2 (melanocortin 2 receptor accessory protein 2; plus strand). Cytogenetic location: 6q14.2.
Variant type: single nucleotide variant.
Coding change: c.228-2A>G on transcript NM_138409.4 (MANE Select); the canonical splice acceptor site of the intron before coding-DNA position 228, A replaced by G.
Molecular consequence: splice acceptor variant.
Genome position (GRCh38, 1-based): chr6:84,089,089, A>G. VCF-style: chr6-84089089-A-G. GRCh37 (hg19) VCF-style: chr6-84798808-A-G.
Other names: c.228-2A>G (NM_001346542.2, NM_001346544.2, NM_138409.3); c.63-2A>G (NM_001346543.2); c.-31-2A>G (NM_001346541.2).
Identifiers: ClinVar variation 1479292 (VCV001479292.11), dbSNP rs756421129, ClinGen allele CA3909619.